The following is an entry in ClinVar:

ClinVar aggregate classification (germline): Pathogenic. Review status: criteria provided, multiple submitters, no conflicts (2 of 4 stars). 3 submissions from 3 submitters: Pathogenic (3). Last evaluated 2021-07-06.

Conditions:
Cardiovascular phenotype. Identifiers: MedGen CN230736.
Hereditary cancer-predisposing syndrome. Also called: Tumor predisposition; Hereditary Cancer Syndrome; Hereditary neoplastic syndrome; Neoplastic Syndromes, Hereditary. Identifiers: Orphanet 140162, MedGen C0027672, MeSH D009386, MONDO:0015356.
Neurofibromatosis, type 1 (NF1). Also called: VON RECKLINGHAUSEN DISEASE; NEUROFIBROMATOSIS, TYPE I, SOMATIC; Peripheral type neurofibromatosis; Neurofibromatosis, type I. Identifiers: Orphanet 636, MedGen C0027831, MONDO:0018975, OMIM 162200. Disease mechanism: loss of function.

Submissions (3):

Labcorp Genetics (formerly Invitae), Labcorp
Classification: Pathogenic for Neurofibromatosis, type 1. Last evaluated: 2021-07-06. Review status: criteria provided, single submitter. Criteria: Invitae Variant Classification Sherloc (09022015). Collection method: clinical testing. Allele origin: germline.
Comment: This sequence change creates a premature translational stop signal (p.Lys1299Asnfs*10) in the NF1 gene. It is expected to result in an absent or disrupted protein product. This variant is not present in population databases (ExAC no frequency). This variant has been reported in an individual affected with neurofibromatosis type 1 (PMID: 25074460). ClinVar contains an entry for this variant (Variation ID: 237558). Loss-of-function variants in NF1 are known to be pathogenic (PMID: 10712197, 23913538). For these reasons, this variant has been classified as Pathogenic.

Ambry Genetics
Classification: Pathogenic for Cardiovascular phenotype; Hereditary cancer-predisposing syndrome. Last evaluated: 2017-03-30. Review status: criteria provided, single submitter. Criteria: Ambry Variant Classification Scheme 2023. Collection method: clinical testing. Allele origin: germline.
Comment: The c.3897delA pathogenic mutation, located in coding exon 29 of the NF1 gene, results from a deletion of one nucleotide at nucleotide position 3897, causing a translational frameshift with a predicted alternate stop codon (p.K1299Nfs*10). This mutation was reported in an individual with a diagnosis of neurofibromatosis type 1 (NF1), however clinical details were limited (Pasmant E et al. Eur. J. Hum. Genet., 2015 May;23:596-601). In addition to the clinical data presented in the literature, this alteration is expected to result in loss of function by premature protein truncation or nonsense-mediated mRNA decay. As such, this alteration is interpreted as a disease-causing mutation.

3billion
Classification: Pathogenic for Neurofibromatosis, type 1. Review status: criteria provided, single submitter. Criteria: ACMG Guidelines, 2015. Collection method: clinical testing. Allele origin: unknown. Affected: yes. Observed: 1 heterozygote.
Comment: The variant is not observed in the gnomAD v2.1.1 dataset. It is a frameshift predicted to result in a loss or disruption of normal protein function through nonsense-mediated decay (NMD) or protein truncation. Multiple pathogenic variants are reported downstream of the variant. The variant has been reported at least twice as pathogenic without evidence for the classification (ClinVar ID: VCV000237558/PMID: 21362601). Therefore, this variant is classified as pathogenic according to the recommendation of ACMG/AMP guideline.

Literature cited by the submitters: PubMed 25074460 (cited by Labcorp Genetics (formerly Invitae), Labcorp); PubMed 10712197 (cited by Labcorp Genetics (formerly Invitae), Labcorp); PubMed 23913538 (cited by Labcorp Genetics (formerly Invitae), Labcorp); PubMed 21362601 (cited by 3billion).

NM_001042492.3(NF1):c.3897del (p.Lys1299fs)

Gene: NF1 (neurofibromin 1; plus strand). Cytogenetic location: 17q11.2.
Variant type: Deletion.
Coding change: c.3897del on transcript NM_001042492.3 (MANE Select); coding-DNA position 3897, one base deleted (A; older notation c.3897delA).
Protein change: p.Lys1299fs; shifts the reading frame from lysine 1299.
Molecular consequence: frameshift variant.
Genome position (GRCh38, 1-based): chr17:31,235,944, A deleted; the last of 5 consecutive A bases (chr17:31,235,940-31,235,944); deleting any one gives the same sequence. VCF-style (leftmost placement, unchanged base first): chr17-31235939-CA-C. GRCh37 (hg19) VCF-style: chr17-29562957-CA-C.
Other names: c.3897delA (NM_000267.3); c.3897delA, p.Lys1299Asnfs (NM_000267.4); short protein forms K1299fs.
Identifiers: ClinVar variation 237558 (VCV000237558.8), dbSNP rs878853890, ClinGen allele CA10583499.